The following is an entry in ClinVar:

NM_001792.5(CDH2):c.1195A>G (p.Ile399Val)

Gene: CDH2 (cadherin 2; minus strand). Cytogenetic location: 18q12.1.
Variant type: single nucleotide variant.
Coding change: c.1195A>G on transcript NM_001792.5 (MANE Select); coding-DNA position 1195, A replaced by G.
Protein change: p.Ile399Val; replaces isoleucine 399 with valine.
Molecular consequence: missense variant.
Genome position (GRCh38, 1-based): chr18:27,992,804, T>C on the plus strand (A>G on the coding strand, the complement: CDH2 is on the minus strand). VCF-style: chr18-27992804-T-C. GRCh37 (hg19) VCF-style: chr18-25572768-T-C.
Other names: c.1102A>G, p.Ile368Val (NM_001308176.2); short protein forms I368V, I399V.
Identifiers: ClinVar variation 2042696 (VCV002042696.4), dbSNP rs2510799306, ClinGen allele CA402110571.

ClinVar aggregate classification (germline): Uncertain significance (1 of 4 stars; one submission).

Allele frequency attached by ClinVar (database versions not stated): gnomAD exomes below 0.00001.
gnomAD v4.1: 2 of 1,614,016 alleles (0.00012%); highest among the groups gnomAD compares: South Asian, 0.0011%; no homozygotes.

Submission:

Labcorp Genetics (formerly Invitae), Labcorp
Classification: Uncertain significance. Last evaluated: 2022-01-06. Review status: criteria provided, single submitter. Criteria: Invitae Variant Classification Sherloc (09022015). Collection method: clinical testing. Allele origin: germline.
Comment: This sequence change replaces isoleucine, which is neutral and non-polar, with valine, which is neutral and non-polar, at codon 399 of the CDH2 protein (p.Ile399Val). In summary, the available evidence is currently insufficient to determine the role of this variant in disease. Therefore, it has been classified as a Variant of Uncertain Significance. Algorithms developed to predict the effect of missense changes on protein structure and function output the following: SIFT: "Tolerated"; PolyPhen-2: "Benign"; Align-GVGD: "Class C0". The valine amino acid residue is found in multiple mammalian species, which suggests that this missense change does not adversely affect protein function. This variant has not been reported in the literature in individuals affected with CDH2-related conditions. This variant is not present in population databases (gnomAD no frequency).